The following is an entry in ClinVar:

ClinVar aggregate classification (germline): Benign/Likely benign. Review status: criteria provided, multiple submitters, no conflicts (2 of 4 stars). 5 submissions from 5 submitters: Benign (1); Likely benign (3). 1 of the submissions does not count toward it. Last evaluated 2026-01-20.

Conditions:
Polyglandular autoimmune syndrome, type 1 (APS1). Also called: PGA I; Autoimmune polyendocrine syndrome type 1; AUTOIMMUNE POLYENDOCRINE SYNDROME, TYPE I, WITH OR WITHOUT REVERSIBLE METAPHYSEAL DYSPLASIA; HYPOADRENOCORTICISM WITH HYPOPARATHYROIDISM AND SUPERFICIAL MONILIASIS; Autoimmune polyendocrinopathy syndrome, type I; Autoimmune polyendocrinopathy syndrome , type I, with or without reversible metaphyseal dysplasia. Identifiers: Orphanet 3453, MedGen C0085859, MONDO:0009411, OMIM 240300.
AIRE-related disorder. Also called: AIRE-related condition.

Allele frequency attached by ClinVar (database versions not stated): gnomAD exomes 0.00015 and 0.00035; ExAC 0.00059; 1000 Genomes Project 30x 0.00094; 1000 Genomes Project 0.00100; gnomAD 0.00107 and 0.00115; ESP Exome Variant Server 0.00112; TOPMed 0.00139.
gnomAD v4.1: 383 of 1,554,128 alleles (0.025%); highest among the groups gnomAD compares: African/African-American, 0.38%; 3 homozygotes.

Submissions (5):

Labcorp Genetics (formerly Invitae), Labcorp
Classification: Benign for Polyglandular autoimmune syndrome, type 1. Last evaluated: 2026-01-20. Review status: criteria provided, single submitter. Criteria: Invitae Variant Classification Sherloc (09022015). Collection method: clinical testing. Allele origin: germline.

CeGaT Center for Human Genetics Tuebingen
Classification: Likely benign. Last evaluated: 2025-10-01. Review status: criteria provided, single submitter. Criteria: CeGaT Center For Human Genetics Tuebingen Variant Classification Criteria Version 2. Collection method: clinical testing. Allele origin: germline. Affected: yes. Observed: 1 variant allele.
Comment: AIRE: BP4, BP7

Women's Health and Genetics/Laboratory Corporation of America, LabCorp
Classification: Likely benign. Last evaluated: 2025-09-26. Review status: criteria provided, single submitter. Criteria: LabCorp Variant Classification Summary - May 2015. Collection method: clinical testing. Allele origin: germline.

Blueprint Genetics
Classification: Likely benign. Last evaluated: 2024-09-18. Review status: criteria provided, single submitter. Criteria: ACMG Guidelines, 2015. Collection method: clinical testing. Allele origin: germline.

PreventionGenetics, part of Exact Sciences
Classification: Likely benign for AIRE-related condition. Last evaluated: 2024-01-05. Review status: no assertion criteria provided. Collection method: clinical testing. Allele origin: germline. Not counted in ClinVar's aggregate classification.
Comment: This variant is classified as likely benign based on ACMG/AMP sequence variant interpretation guidelines (Richards et al. 2015 PMID: 25741868, with internal and published modifications).

NM_000383.4(AIRE):c.1083C>T (p.Pro361=)

Gene: AIRE (autoimmune regulator; plus strand). Cytogenetic location: 21q22.3.
Variant type: single nucleotide variant.
Coding change: c.1083C>T on transcript NM_000383.4 (MANE Select); coding-DNA position 1083, C replaced by T.
Protein change: p.Pro361=; no amino-acid change (proline 361 retained).
Molecular consequence: synonymous variant.
Genome position (GRCh38, 1-based): chr21:44,292,389, C>T. VCF-style: chr21-44292389-C-T. GRCh37 (hg19) VCF-style: chr21-45712272-C-T.
Identifiers: ClinVar variation 458612 (VCV000458612.21), dbSNP rs201010030, ClinGen allele CA10051913.
Genomic context (GRCh38, chr21:44,292,389, plus strand): 5'-GCAGGCAACAGTCCAGGAGGTGCAGCCCCGGGCAGAGGAGCCCCGGCCCCAGGAGCCACC[C>T]GTGGAGACCCCGGTATGGCCACGCCCCCTCCTAGCCGGGCCACCCCTCCTGTCCACATGG-3'
Protein context (NP_000374.1, residues 351-371): RAEEPRPQEP[Pro361=]VETPLPPGLR